The following is an entry in ClinVar:

ClinVar aggregate classification (germline): Likely benign (1 of 4 stars; one submission).

Submission:

CeGaT Center for Human Genetics Tuebingen
Classification: Likely benign. Last evaluated: 2026-05-01. Review status: criteria provided, single submitter. Criteria: CeGaT Center For Human Genetics Tuebingen Variant Classification Criteria Version 2. Collection method: clinical testing. Allele origin: germline. Affected: yes. Observed: 1 variant allele.
Comment: ABCC10: PM2:Supporting, BP4, BP7

NM_001198934.2(ABCC10):c.1986G>C (p.Leu662=)

Gene: ABCC10 (ATP binding cassette subfamily C member 10; plus strand). Cytogenetic location: 6p21.1.
Variant type: single nucleotide variant.
Coding change: c.1986G>C on transcript NM_001198934.2 (MANE Select); coding-DNA position 1986, G replaced by C.
Protein change: p.Leu662=; no amino-acid change (leucine 662 retained).
Molecular consequence: synonymous variant. On other transcripts: non-coding transcript variant (1).
Genome position (GRCh38, 1-based): chr6:43,438,654, G>C. VCF-style: chr6-43438654-G-C. GRCh37 (hg19) VCF-style: chr6-43406392-G-C.
Other names: c.654G>C, p.Leu218= (NM_001350518.2); c.1902G>C, p.Leu634= (NM_033450.3).
Identifiers: ClinVar variation 4875142 (VCV004875142.2).